The following is an entry in ClinVar:

ClinVar aggregate classification (germline): Likely benign (1 of 4 stars; one submission).

Conditions:
FLNB-Related Spectrum Disorders.

Allele frequency attached by ClinVar (database versions not stated): 1000 Genomes Project 30x 0.00468; 1000 Genomes Project 0.00479; TOPMed 0.00772; gnomAD 0.00799 and 0.00833; gnomAD exomes 0.01310.
gnomAD v4.1: 1,245 of 152,748 alleles (0.82%); highest among the groups gnomAD compares: Non-Finnish European, 1.2%; 5 homozygotes.

Submission:

Illumina Laboratory Services, Illumina
Classification: Likely benign for FLNB-Related Spectrum Disorders. Last evaluated: 2018-01-12. Review status: criteria provided, single submitter. Criteria: ICSL Variant Classification Criteria 13 December 2019. Collection method: clinical testing. Allele origin: germline.
Comment: This variant was observed in the ICSL laboratory as part of a predisposition screen in an ostensibly healthy population. It had not been previously curated by ICSL or reported in the Human Gene Mutation Database (HGMD: prior to June 1st, 2018), and was therefore a candidate for classification through an automated scoring system. Utilizing variant allele frequency, disease prevalence and penetrance estimates, and inheritance mode, an automated score was calculated to assess if this variant is too frequent to cause the disease. Based on the score and internal cut-off values, a variant classified as likely benign is not then subjected to further curation. The score for this variant resulted in a classification of likely benign for this disease.

NM_001457.4(FLNB):c.*1361G>A

Gene: FLNB (filamin B; plus strand). Cytogenetic location: 3p14.3.
Variant type: single nucleotide variant.
Coding change: c.*1361G>A on transcript NM_001457.4 (MANE Select); 1361 bases downstream of the stop codon, G replaced by A.
Molecular consequence: 3 prime UTR variant.
Genome position (GRCh38, 1-based): chr3:58,172,123, G>A. VCF-style: chr3-58172123-G-A. GRCh37 (hg19) VCF-style: chr3-58157850-G-A.
Other names: c.*1361G>A (NM_001164317.2, NM_001164318.2, NM_001164319.2).
Identifiers: ClinVar variation 346390 (VCV000346390.5), dbSNP rs115935959, ClinGen allele CA10619332.